The following is an entry in ClinVar:

ClinVar aggregate classification (germline): Conflicting classifications of pathogenicity. Review status: criteria provided, conflicting classifications (1 of 4 stars). 5 submissions from 5 submitters: Uncertain significance (3); Likely benign (1). 1 of the submissions does not count toward it. Last evaluated 2024-03-04.

Conditions:
Imerslund-Grasbeck syndrome type 1 (IGS1). Also called: Megaloblastic anemia 1, Finnish type; MEGALOBLASTIC ANEMIA, 1; Imerslund-Gräsbeck syndrome 1. Identifiers: MedGen C4016819, MONDO:0100156, OMIM 261100.
CUBN-related disorder. Also called: CUBN-related condition.
Imerslund-Grasbeck syndrome. Also called: Megaloblastic anemia due to inborn errors of metabolism; Imerslund-Gräsbeck syndrome; ENTEROCYTE COBALAMIN MALABSORPTION; ENTEROCYTE INTRINSIC FACTOR RECEPTOR, DEFECT OF; PERNICIOUS ANEMIA, JUVENILE, DUE TO SELECTIVE INTESTINAL MALABSORPTION OF VITAMIN B12, WITH PROTEINURIA. Identifiers: Orphanet 35858, MedGen C4551825, MONDO:0009853.
Proteinuria, chronic benign. Identifiers: MedGen C5394384, MONDO:0030042, OMIM 618884.
Inborn genetic diseases. Identifiers: MedGen C0950123, MeSH D030342.

Allele frequency attached by ClinVar (database versions not stated): TOPMed 0.00004; gnomAD 0.00005 and 0.00006.

Submissions (5):

Fulgent Genetics
Classification: Uncertain significance for Imerslund-Grasbeck syndrome type 1; Proteinuria, chronic benign. Last evaluated: 2024-03-04. Review status: criteria provided, single submitter. Criteria: ACMG Guidelines, 2015. Collection method: clinical testing. Allele origin: germline.

Labcorp Genetics (formerly Invitae), Labcorp
Classification: Uncertain significance for Imerslund-Grasbeck syndrome. Last evaluated: 2023-08-04. Review status: criteria provided, single submitter. Criteria: Invitae Variant Classification Sherloc (09022015). Collection method: clinical testing. Allele origin: germline.
Comment: ClinVar contains an entry for this variant (Variation ID: 299514). This sequence change replaces arginine, which is basic and polar, with histidine, which is basic and polar, at codon 707 of the CUBN protein (p.Arg707His). This variant is present in population databases (rs763524933, gnomAD 0.008%). This variant has not been reported in the literature in individuals affected with CUBN-related conditions. Advanced modeling of protein sequence and biophysical properties (such as structural, functional, and spatial information, amino acid conservation, physicochemical variation, residue mobility, and thermodynamic stability) performed at Invitae indicates that this missense variant is not expected to disrupt CUBN protein function. In summary, the available evidence is currently insufficient to determine the role of this variant in disease. Therefore, it has been classified as a Variant of Uncertain Significance.

Ambry Genetics
Classification: Likely benign for Inborn genetic diseases. Last evaluated: 2022-11-10. Review status: criteria provided, single submitter. Criteria: Ambry Variant Classification Scheme 2023. Collection method: clinical testing. Allele origin: germline.

Illumina Laboratory Services, Illumina
Classification: Uncertain significance for Imerslund-Grasbeck syndrome type 1. Last evaluated: 2018-01-13. Review status: criteria provided, single submitter. Criteria: ICSL Variant Classification Criteria 13 December 2019. Collection method: clinical testing. Allele origin: germline.

PreventionGenetics, part of Exact Sciences
Classification: Uncertain significance for CUBN-related condition. Last evaluated: 2024-08-25. Review status: no assertion criteria provided. Collection method: clinical testing. Allele origin: germline. Not counted in ClinVar's aggregate classification.
Comment: The CUBN c.2120G>A variant is predicted to result in the amino acid substitution p.Arg707His. To our knowledge, this variant has not been reported in the literature. This variant is reported in 0.0080% of alleles in individuals of African descent in gnomAD. Of note, the p.Arg707 residue is a weakly conserved amino acid and at this position is a histidine (His) in northern white-cheeked gibbon, olive baboon and dog. At this time, the clinical significance of this variant is uncertain due to the absence of conclusive functional and genetic evidence.

NM_001081.4(CUBN):c.2120G>A (p.Arg707His)

Gene: CUBN (cubilin; minus strand). Cytogenetic location: 10p13.
Variant type: single nucleotide variant.
Coding change: c.2120G>A on transcript NM_001081.4 (MANE Select); coding-DNA position 2120, G replaced by A.
Protein change: p.Arg707His; replaces arginine 707 with histidine.
Molecular consequence: missense variant.
Genome position (GRCh38, 1-based): chr10:17,084,452, C>T on the plus strand (G>A on the coding strand, the complement: CUBN is on the minus strand). VCF-style: chr10-17084452-C-T. GRCh37 (hg19) VCF-style: chr10-17126451-C-T.
Other names: short protein forms R707H.
Identifiers: ClinVar variation 299514 (VCV000299514.13), dbSNP rs763524933, ClinGen allele CA10631413.